The following is an entry in ClinVar:

NM_014844.5(TECPR2):c.2047A>G (p.Ile683Val)

Gene: TECPR2 (tectonin beta-propeller repeat containing 2; plus strand). Cytogenetic location: 14q32.31.
Variant type: single nucleotide variant.
Coding change: c.2047A>G on transcript NM_014844.5 (MANE Select); coding-DNA position 2047, A replaced by G.
Protein change: p.Ile683Val; replaces isoleucine 683 with valine.
Molecular consequence: missense variant.
Genome position (GRCh38, 1-based): chr14:102,434,864, A>G. VCF-style: chr14-102434864-A-G. GRCh37 (hg19) VCF-style: chr14-102901201-A-G.
Other names: p.Ile683Val; c.2047A>G, p.Ile683Val (NM_001172631.3); c.2047A>G (NM_014844.4); short protein forms I683V.
Identifiers: ClinVar variation 380891 (VCV000380891.17), dbSNP rs10149146, ClinGen allele CA7357836.
Genomic context (GRCh38, chr14:102,434,864, plus strand): 5'-TGGCTGCCTGGGACCAGAGCTGATGAAGGCAGCCCCGTGGAGCCCAGCCAAGAGCAGGAC[A>G]TCCTAACCAGCATGGAGGCCTCTGGCCACCTCAGCACAAATCTCTGGCATGCTGTCACTG-3'
Protein context (NP_055659.2, residues 673-693): SPVEPSQEQD[Ile683Val]LTSMEASGHL

ClinVar aggregate classification (germline): Benign/Likely benign. Review status: criteria provided, multiple submitters, no conflicts (2 of 4 stars). 7 submissions from 7 submitters: Benign (4); Likely benign (2). 1 of the submissions does not count toward it. Last evaluated 2026-02-04.

Conditions:
Hereditary spastic paraplegia 49 (HSAN9). Also called: Spastic paraplegia 49, autosomal recessive; NEUROPATHY, HEREDITARY SENSORY AND AUTONOMIC, TYPE IX, WITH DEVELOPMENTAL DELAY; TECPR2-Related Hereditary Sensory and Autonomic Neuropathy with Intellectual Disability. Identifiers: Orphanet 320385, MedGen C5190860, MONDO:0014016, OMIM 615031.

Allele frequency attached by ClinVar (database versions not stated): 1000 Genomes Project 0.21486; 1000 Genomes Project 30x 0.21596; TOPMed 0.25597; gnomAD 0.25663 and 0.25981; ESP Exome Variant Server 0.27418; gnomAD exomes 0.28287 and 0.31703; ExAC 0.28296.
gnomAD v4.1: 502,511 of 1,613,380 alleles (31%); highest among the groups gnomAD compares: Middle Eastern, 39%; 81,354 homozygotes.

Submissions (7):

Labcorp Genetics (formerly Invitae), Labcorp
Classification: Benign for Hereditary spastic paraplegia 49. Last evaluated: 2026-02-04. Review status: criteria provided, single submitter. Criteria: Invitae Variant Classification Sherloc (09022015). Collection method: clinical testing. Allele origin: germline.

Women's Health and Genetics/Laboratory Corporation of America, LabCorp
Classification: Likely benign. Last evaluated: 2021-12-03. Review status: criteria provided, single submitter. Criteria: LabCorp Variant Classification Summary - May 2015. Collection method: clinical testing. Allele origin: germline.

Genome-Nilou Lab
Classification: Benign for Hereditary spastic paraplegia 49. Last evaluated: 2021-07-10. Review status: criteria provided, single submitter. Criteria: ACMG Guidelines, 2015. Collection method: clinical testing. Allele origin: germline. Affected: no.

Mayo Clinic Laboratories, Mayo Clinic
Classification: Benign. Last evaluated: 2017-07-19. Review status: criteria provided, single submitter. Criteria: ACMG Guidelines, 2015. Collection method: clinical testing. Allele origin: germline. Observed: 464 variant alleles.

GeneDx
Classification: Benign. Last evaluated: 2016-03-01. Review status: criteria provided, single submitter. Criteria: GeneDx Variant Classification (06012015). Collection method: clinical testing. Allele origin: germline. Affected: yes.
Comment: This variant is considered likely benign or benign based on one or more of the following criteria: it is a conservative change, it occurs at a poorly conserved position in the protein, it is predicted to be benign by multiple in silico algorithms, and/or has population frequency not consistent with disease.

Breakthrough Genomics
Classification: Likely benign. Review status: criteria provided, single submitter. Criteria: ACMG Guidelines, 2015. Collection method: not provided. Allele origin: germline. Inheritance: Autosomal recessive inheritance. Affected: yes.

Natera, Inc.
Classification: Benign for Autosomal recessive spastic paraplegia type 49. Last evaluated: 2020-09-16. Review status: no assertion criteria provided. Collection method: clinical testing. Allele origin: germline. Not counted in ClinVar's aggregate classification.